The following is an entry in ClinVar:

NM_001040436.3(YARS2):c.291C>T (p.Gly97=)

Gene: YARS2 (tyrosyl-tRNA synthetase 2; minus strand). Cytogenetic location: 12p11.21.
Variant type: single nucleotide variant.
Coding change: c.291C>T on transcript NM_001040436.3 (MANE Select); coding-DNA position 291, C replaced by T.
Protein change: p.Gly97=; no amino-acid change (glycine 97 retained).
Molecular consequence: synonymous variant.
Genome position (GRCh38, 1-based): chr12:32,755,584, G>A on the plus strand (C>T on the coding strand, the complement: YARS2 is on the minus strand). VCF-style: chr12-32755584-G-A. GRCh37 (hg19) VCF-style: chr12-32908518-G-A.
Other names: p.G97G:GGC>GGT.
Identifiers: ClinVar variation 137937 (VCV000137937.19), dbSNP rs11539444, ClinGen allele CA291656.
Genomic context (GRCh38, chr12:32,755,584, plus strand): 5'-CGCCGTGGCGCCTCCCACCAGCGCGATCACGTTGTGGCCCGCTCGCTGCAAATGAAACAG[G>A]CCCAGCAGCGCAAGTAGATGACCCACATGAAGCGAGTCTGCCGTGGGGTCGAAGCCACAG-3'
Protein context (NP_001035526.1, residues 87-107): LHVGHLLALL[Gly97=]LFHLQRAGHN

ClinVar aggregate classification (germline): Benign/Likely benign. Review status: criteria provided, multiple submitters, no conflicts (2 of 4 stars). 6 submissions from 6 submitters: Benign (4); Likely benign (1). 1 of the submissions does not count toward it. Last evaluated 2026-02-04.

Conditions:
Myopathy, lactic acidosis, and sideroblastic anemia 2 (MLASA2). Identifiers: Orphanet 2598, MedGen C3150802, MONDO:0013307, OMIM 613561.

Allele frequency attached by ClinVar (database versions not stated): gnomAD exomes 0.12316 and 0.13420; ExAC 0.12642; 1000 Genomes Project 0.12700; 1000 Genomes Project 30x 0.12883; gnomAD 0.14047 and 0.14354; TOPMed 0.14611; ESP Exome Variant Server 0.15170.

Submissions (6):

Labcorp Genetics (formerly Invitae), Labcorp
Classification: Benign. Last evaluated: 2026-02-04. Review status: criteria provided, single submitter. Criteria: Invitae Variant Classification Sherloc (09022015). Collection method: clinical testing. Allele origin: germline.

Genome-Nilou Lab
Classification: Benign for Myopathy, lactic acidosis, and sideroblastic anemia 2. Last evaluated: 2021-12-05. Review status: criteria provided, single submitter. Criteria: ACMG Guidelines, 2015. Collection method: clinical testing. Allele origin: germline. Affected: no.

Illumina Laboratory Services, Illumina
Classification: Benign for Myopathy, lactic acidosis, and sideroblastic anemia 2. Last evaluated: 2018-01-13. Review status: criteria provided, single submitter. Criteria: ICSL Variant Classification Criteria 13 December 2019. Collection method: clinical testing. Allele origin: germline.
Comment: This variant was observed in the ICSL laboratory as part of a predisposition screen in an ostensibly healthy population. It had not been previously curated by ICSL or reported in the Human Gene Mutation Database (HGMD: prior to June 1st, 2018), and was therefore a candidate for classification through an automated scoring system. Utilizing variant allele frequency, disease prevalence and penetrance estimates, and inheritance mode, an automated score was calculated to assess if this variant is too frequent to cause the disease. Based on the score and internal cut-off values, a variant classified as benign is not then subjected to further curation. The score for this variant resulted in a classification of benign for this disease.

GeneDx
Classification: Benign. Last evaluated: 2013-01-10. Review status: criteria provided, single submitter. Criteria: GeneDx Variant Classification (06012015). Collection method: clinical testing. Allele origin: germline. Affected: yes.
Comment: This variant is considered likely benign or benign based on one or more of the following criteria: it is a conservative change, it occurs at a poorly conserved position in the protein, it is predicted to be benign by multiple in silico algorithms, and/or has population frequency not consistent with disease.

Breakthrough Genomics
Classification: Likely benign. Review status: criteria provided, single submitter. Criteria: ACMG Guidelines, 2015. Collection method: not provided. Allele origin: germline. Inheritance: Autosomal recessive inheritance. Affected: yes.

Mayo Clinic Laboratories, Mayo Clinic
Classification: Benign. Last evaluated: 2016-02-22. Review status: no assertion criteria provided. Collection method: clinical testing. Allele origin: unknown. Not counted in ClinVar's aggregate classification.